The following is an entry in ClinVar:

ClinVar aggregate classification (germline): Uncertain significance (1 of 4 stars; one submission).

Conditions:
RYR1-related disorder. Also called: RYR1-related condition; RYR1-related disorders. Identifiers: MedGen CN239331.

Submission:

Labcorp Genetics (formerly Invitae), Labcorp
Classification: Uncertain significance for RYR1-related disorder. Last evaluated: 2023-05-29. Review status: criteria provided, single submitter. Criteria: Invitae Variant Classification Sherloc (09022015). Collection method: clinical testing. Allele origin: germline.
Comment: In summary, the available evidence is currently insufficient to determine the role of this variant in disease. Therefore, it has been classified as a Variant of Uncertain Significance. Advanced modeling of protein sequence and biophysical properties (such as structural, functional, and spatial information, amino acid conservation, physicochemical variation, residue mobility, and thermodynamic stability) performed at Invitae indicates that this missense variant is expected to disrupt RYR1 protein function. This variant has not been reported in the literature in individuals affected with RYR1-related conditions. This variant is not present in population databases (gnomAD no frequency). This sequence change replaces asparagine, which is neutral and polar, with isoleucine, which is neutral and non-polar, at codon 2284 of the RYR1 protein (p.Asn2284Ile).

NM_000540.3(RYR1):c.6851A>T (p.Asn2284Ile)

Gene: RYR1 (ryanodine receptor 1; plus strand). Cytogenetic location: 19q13.2.
Variant type: single nucleotide variant.
Coding change: c.6851A>T on transcript NM_000540.3 (MANE Select); coding-DNA position 6851, A replaced by T.
Protein change: p.Asn2284Ile; replaces asparagine 2284 with isoleucine.
Molecular consequence: missense variant.
Genome position (GRCh38, 1-based): chr19:38,496,914, A>T. VCF-style: chr19-38496914-A-T. GRCh37 (hg19) VCF-style: chr19-38987554-A-T.
Other names: c.6851A>T, p.Asn2284Ile (NM_001042723.2); short protein forms N2284I.
Identifiers: ClinVar variation 2737963 (VCV002737963.3), dbSNP rs779515779, ClinGen allele CA405666562.
Genomic context (GRCh38, chr19:38,496,914, plus strand): 5'-CTGCAGGCATGCAGGGCTCCACGCCCCTGGACGTGGCTGCTGCCTCCGTCATTGACAACA[A>T]TGAGCTGGCCTTGGCATTGCAGGAGCAGGACCTGGAAAAGGTGTGGAGGGCAGGGCTGGG-3'
Protein context (NP_000531.2, residues 2274-2294): DVAAASVIDN[Asn2284Ile]ELALALQEQD